The following is an entry in ClinVar:

NM_000081.4(LYST):c.1481C>T (p.Ser494Leu)

Gene: LYST (lysosomal trafficking regulator; minus strand). Cytogenetic location: 1q42.3.
Variant type: single nucleotide variant.
Coding change: c.1481C>T on transcript NM_000081.4 (MANE Select); coding-DNA position 1481, C replaced by T.
Protein change: p.Ser494Leu; replaces serine 494 with leucine.
Molecular consequence: missense variant.
Genome position (GRCh38, 1-based): chr1:235,809,337, G>A on the plus strand (C>T on the coding strand, the complement: LYST is on the minus strand). VCF-style: chr1-235809337-G-A. GRCh37 (hg19) VCF-style: chr1-235972637-G-A.
Other names: c.1481C>T (NM_000081.2); c.1481C>T, p.Ser494Leu (NM_001301365.1); short protein forms S494L.
Identifiers: ClinVar variation 959002 (VCV000959002.8), dbSNP rs115019462, ClinGen allele CA1467467.

ClinVar aggregate classification (germline): Uncertain significance. Review status: criteria provided, multiple submitters, no conflicts (2 of 4 stars). 3 submissions from 3 submitters: Uncertain significance (3). Last evaluated 2024-05-16.

Conditions:
Inborn genetic diseases. Identifiers: MedGen C0950123, MeSH D030342.
LYST-related disorder. Also called: LYST-related condition.
Chédiak-Higashi syndrome (CHS). Also called: Chediak-Higashi Syndrome. Identifiers: Orphanet 167, MedGen C0007965, MONDO:0008963, OMIM 214500.

Allele frequency attached by ClinVar (database versions not stated): gnomAD exomes 0.00002; ExAC 0.00003; gnomAD 0.00004; TOPMed 0.00004; 1000 Genomes Project 0.00020; 1000 Genomes Project 30x 0.00031.
gnomAD v4.1: 18 of 1,613,924 alleles (0.0011%); highest among the groups gnomAD compares: Admixed American, 0.015%; no homozygotes.

Submissions (3):

Ambry Genetics
Classification: Uncertain significance for Inborn genetic diseases. Last evaluated: 2024-05-16. Review status: criteria provided, single submitter. Criteria: Ambry Variant Classification Scheme 2023. Collection method: clinical testing. Allele origin: germline.

PreventionGenetics, part of Exact Sciences
Classification: Uncertain significance for LYST-related condition. Last evaluated: 2023-04-19. Review status: criteria provided, single submitter. Criteria: ACMG Guidelines, 2015. Collection method: clinical testing. Allele origin: germline.
Comment: The LYST c.1481C>T variant is predicted to result in the amino acid substitution p.Ser494Leu. To our knowledge, this variant has not been reported in the literature. This variant is reported in 0.023% of alleles in individuals of Latino descent in gnomAD. At this time, the clinical significance of this variant is uncertain due to the absence of conclusive functional and genetic evidence.

Labcorp Genetics (formerly Invitae), Labcorp
Classification: Uncertain significance for Chédiak-Higashi syndrome. Last evaluated: 2022-08-16. Review status: criteria provided, single submitter. Criteria: Invitae Variant Classification Sherloc (09022015). Collection method: clinical testing. Allele origin: germline.
Comment: This sequence change replaces serine, which is neutral and polar, with leucine, which is neutral and non-polar, at codon 494 of the LYST protein (p.Ser494Leu). ClinVar contains an entry for this variant (Variation ID: 959002). Algorithms developed to predict the effect of missense changes on protein structure and function are either unavailable or do not agree on the potential impact of this missense change (SIFT: "Tolerated"; PolyPhen-2: "Probably Damaging"; Align-GVGD: "Class C0").